The following is an entry in ClinVar:

NM_000077.5(CDKN2A):c.81G>C (p.Glu27Asp)

Gene: CDKN2A (cyclin dependent kinase inhibitor 2A; minus strand). Cytogenetic location: 9p21.3.
Variant type: single nucleotide variant.
Coding change: c.81G>C on transcript NM_000077.5; coding-DNA position 81, G replaced by C.
Protein change: p.Glu27Asp; replaces glutamic acid 27 with aspartic acid.
Molecular consequence: missense variant (on NM_000077.6). On other transcripts: intron variant (2).
Genome position (GRCh38, 1-based): chr9:21,974,747, C>G on the plus strand (G>C on the coding strand, the complement: CDKN2A is on the minus strand). VCF-style: chr9-21974747-C-G. GRCh37 (hg19) VCF-style: chr9-21974746-C-G.
Other names: c.81G>C, p.Glu27Asp (NM_000077.6, NM_001195132.2, NM_058197.5); c.-3-3539G>C (NM_001363763.2); c.194-3539G>C (NM_058195.4); short protein forms E27D.
Identifiers: ClinVar variation 483354 (VCV000483354.7), dbSNP rs1060504184, ClinGen allele CA373086596.

ClinVar aggregate classification (germline): Uncertain significance. Review status: criteria provided, multiple submitters, no conflicts (2 of 4 stars). 2 submissions from 2 submitters: Uncertain significance (2). Last evaluated 2024-10-16.

Conditions:
Hereditary cancer-predisposing syndrome. Also called: Tumor predisposition; Hereditary Cancer Syndrome; Neoplastic Syndromes, Hereditary; Hereditary neoplastic syndrome. Identifiers: Orphanet 140162, MedGen C0027672, MeSH D009386, MONDO:0015356.
Familial melanoma. Also called: Hereditary melanoma; Hereditary cutaneous melanoma. Identifiers: Orphanet 618, MedGen C1512419, MONDO:0018961.

Allele frequency attached by ClinVar (database versions not stated): gnomAD exomes below 0.00001.
gnomAD v4.1: 1 of 1,611,568 alleles (0.000062%); highest among the groups gnomAD compares: East Asian, 0.0022%; no homozygotes.

Submissions (2):

Labcorp Genetics (formerly Invitae), Labcorp
Classification: Uncertain significance for Familial melanoma. Last evaluated: 2024-10-16. Review status: criteria provided, single submitter. Criteria: Invitae Variant Classification Sherloc (09022015). Collection method: clinical testing. Allele origin: germline.
Comment: This sequence change replaces glutamic acid, which is acidic and polar, with aspartic acid, which is acidic and polar, at codon 27 of the CDKN2A (p16INK4a) protein (p.Glu27Asp). This variant is present in population databases (no rsID available, gnomAD 0.006%). This variant has not been reported in the literature in individuals affected with CDKN2A (p16INK4a)-related conditions. ClinVar contains an entry for this variant (Variation ID: 483354). An algorithm developed to predict the effect of missense changes on protein structure and function (PolyPhen-2) suggests that this variant is likely to be tolerated. In summary, the available evidence is currently insufficient to determine the role of this variant in disease. Therefore, it has been classified as a Variant of Uncertain Significance.

Ambry Genetics
Classification: Uncertain significance for Hereditary cancer-predisposing syndrome. Last evaluated: 2024-01-22. Review status: criteria provided, single submitter. Criteria: Ambry Variant Classification Scheme 2023. Collection method: clinical testing. Allele origin: germline.
Comment: The p.E27D variant (also known as c.81G>C), located in coding exon 1 of the CDKN2A gene, results from a G to C substitution at nucleotide position 81. The glutamic acid at codon 27 is replaced by aspartic acid, an amino acid with highly similar properties. This amino acid position is not well conserved in available vertebrate species. In addition, this alteration is predicted to be tolerated by in silico analysis. Since supporting evidence is limited at this time, the clinical significance of this alteration remains unclear.